The following is an entry in ClinVar:

NM_007294.4(BRCA1):c.5331_5332+1delinsCAACAT

Gene: BRCA1 (BRCA1 DNA repair associated; minus strand). Cytogenetic location: 17q21.31.
Variant type: Indel.
Coding change: c.5331_5332+1delinsCAACAT on transcript NM_007294.4 (MANE Select); coding-DNA position 5331 through the canonical splice donor site of the intron after coding-DNA position 5332, AGG replaced by CAACAT.
Molecular consequence: splice donor variant. On other transcripts: intron variant (2).
Genome position (GRCh38, 1-based): chr17:43,051,062-43,051,064, CCT replaced by ATGTTG on the plus strand (AGG replaced by CAACAT on the coding strand, the reverse complement: BRCA1 is on the minus strand). VCF-style: chr17-43051062-CCT-ATGTTG. GRCh37 (hg19) VCF-style: chr17-41203079-CCT-ATGTTG.
Other names: 5450del3insCAACAT; c.1878_1879+1delinsCAACAT (NM_001408458.1, NM_001408461.1, NM_001408464.1 and 7 more transcripts); c.4440_4441+1delinsCAACAT (NM_001407967.1); c.4950_4951+1delinsCAACAT (NM_001407959.1); c.5064_5065+1delinsCAACAT (NM_001407931.1, NM_001407932.1, NM_001407928.1 and 4 more transcripts); c.5187_5188+1delinsCAACAT (NM_001407747.1, NM_001407745.1, NM_001407737.1 and 21 more transcripts); c.4947_4948+1delinsCAACAT (NM_001407962.1, NM_001407960.1); c.1518_1519+1delinsCAACAT (NM_001408512.1); and 75 more.
Identifiers: ClinVar variation 236263 (VCV000236263.4), dbSNP rs878853286, ClinGen allele CA10581595.

ClinVar aggregate classification (germline): Pathogenic (3 of 4 stars; one submission).

Conditions:
Breast-ovarian cancer, familial, susceptibility to, 1 (BROVCA1). Also called: BRCA1 Hereditary Breast and Ovarian Cancer; OVARIAN CANCER, SUSCEPTIBILITY TO. Identifiers: Orphanet 145, MedGen C2676676, MONDO:0011450, OMIM 604370. Disease mechanism: loss of function.

Submission:

Evidence-based Network for the Interpretation of Germline Mutant Alleles (ENIGMA)
Classification: Pathogenic for Breast-ovarian cancer, familial, susceptibility to, 1. Last evaluated: 2016-04-03. Review status: reviewed by expert panel. Criteria: ENIGMA BRCA1/2 Classification Criteria (2015). Collection method: curation. Allele origin: germline.
Comment: Allele-specific assay on patient-derived mRNA demonstrated that the variant allele produces only predicted non-functional transcripts. Variant allele produces r.5278_5332del transcript (encoding predicted non-functional protein).

Literature cited by the submitters: PubMed 22505045.